The following is an entry in ClinVar:

NM_001005388.3(NFASC):c.2449A>G (p.Ile817Val)

Gene: NFASC (neurofascin; plus strand). Cytogenetic location: 1q32.1.
Variant type: single nucleotide variant.
Coding change: c.2449A>G on transcript NM_001005388.3 (MANE Select); coding-DNA position 2449, A replaced by G.
Protein change: p.Ile817Val; replaces isoleucine 817 with valine.
Molecular consequence: missense variant.
Genome position (GRCh38, 1-based): chr1:204,981,999, A>G. VCF-style: chr1-204981999-A-G. GRCh37 (hg19) VCF-style: chr1-204951127-A-G.
Other names: c.2482A>G, p.Ile828Val (NM_001160331.2); c.2437A>G, p.Ile813Val (NM_001160332.2, NM_001365986.1, NM_015090.4); c.2449A>G, p.Ile817Val (NM_001378329.1); short protein forms I813V, I817V, I828V.
Identifiers: ClinVar variation 2381830 (VCV002381830.2), dbSNP rs556175089, ClinGen allele CA1350269.

ClinVar aggregate classification (germline): Uncertain significance (1 of 4 stars; one submission).

Conditions:
Inborn genetic diseases. Identifiers: MedGen C0950123, MeSH D030342.

Allele frequency attached by ClinVar (database versions not stated): gnomAD 0.00001; gnomAD exomes 0.00001; TOPMed 0.00001; ExAC 0.00003; 1000 Genomes Project 30x 0.00016; 1000 Genomes Project 0.00020.
gnomAD v4.1: 21 of 1,588,790 alleles (0.0013%); highest among the groups gnomAD compares: East Asian, 0.035%; no homozygotes.

Submission:

Ambry Genetics
Classification: Uncertain significance for Inborn genetic diseases. Last evaluated: 2021-04-20. Review status: criteria provided, single submitter. Criteria: Ambry Variant Classification Scheme 2023. Collection method: clinical testing. Allele origin: germline.
Comment: The c.2449A>G (p.I817V) alteration is located in exon 21 (coding exon 19) of the NFASC gene. This alteration results from a A to G substitution at nucleotide position 2449, causing the isoleucine (I) at amino acid position 817 to be replaced by a valine (V). The p.I817V alteration is predicted to be tolerated by in silico analysis. Based on insufficient or conflicting evidence, the clinical significance of this alteration remains unclear.